The following is an entry in ClinVar:

ClinVar aggregate classification (germline): Conflicting classifications of pathogenicity. Review status: criteria provided, conflicting classifications (1 of 4 stars). 5 submissions from 5 submitters: Uncertain significance (4); Likely benign (1). Last evaluated 2025-12-11.

Conditions:
Hypotonia, infantile, with psychomotor retardation and characteristic facies 2 (IHPRF2). Also called: UNC80 Deficiency. Identifiers: Orphanet 371364, Orphanet 700333, MedGen C4225203, MONDO:0014777, OMIM 616801.

Allele frequency attached by ClinVar (database versions not stated): gnomAD exomes 0.00003 and 0.00013; gnomAD 0.00004 and 0.00005; TOPMed 0.00005; 1000 Genomes Project 30x 0.00016.
gnomAD v4.1: 45 of 1,551,600 alleles (0.0029%); highest among the groups gnomAD compares: East Asian, 0.076%; no homozygotes.

Submissions (5):

Labcorp Genetics (formerly Invitae), Labcorp
Classification: Likely benign. Last evaluated: 2025-12-11. Review status: criteria provided, single submitter. Criteria: Invitae Variant Classification Sherloc (09022015). Collection method: clinical testing. Allele origin: germline.

GeneDx
Classification: Uncertain significance. Last evaluated: 2022-01-06. Review status: criteria provided, single submitter. Criteria: GeneDx Variant Classification Process June 2021. Collection method: clinical testing. Allele origin: germline. Affected: yes.
Comment: Reported previously in the heterozygous state as a variant of uncertain significance in a newborn with epilepsy; parental segregation unavailable (Yang et al., 2020); In silico analysis supports that this missense variant does not alter protein structure/function; This variant is associated with the following publications: (PMID: 27535533, 32712949)

Revvity Omics, Revvity
Classification: Uncertain significance for Hypotonia, infantile, with psychomotor retardation and characteristic facies 2. Last evaluated: 2021-09-21. Review status: criteria provided, single submitter. Criteria: ACMG Guidelines, 2015. Collection method: clinical testing. Allele origin: germline.

New York Genome Center
Classification: Uncertain significance for Hypotonia, infantile, with psychomotor retardation and characteristic facies 2. Last evaluated: 2021-07-30. Review status: criteria provided, single submitter. Criteria: NYGC Assertion Criteria 2020. Collection method: clinical testing. Allele origin: inherited. Observed: 1 compound heterozygote. Study: CSER-NYCKidSeq.

Illumina Laboratory Services, Illumina
Classification: Uncertain significance for Hypotonia, infantile, with psychomotor retardation and characteristic facies 2. Last evaluated: 2019-09-10. Review status: criteria provided, single submitter. Criteria: ICSLVariantClassificationCriteria RUGD 01 April 2020. Collection method: clinical testing. Allele origin: unknown.
Comment: The UNC80 c.8981T>C (p.Ile2994Thr) variant is a missense variant. A literature search was performed for the gene, cDNA change, and amino acid change. No publications were found based on this search. This variant is reported at a frequency of 0.001685 in the East Asian population from the Genome Aggregation Database. Based on the limited evidence, the p.Ile2994Thr variant is classified as a variant of unknown significance for UNC80 deficiency.

NM_001371986.1(UNC80):c.9179T>C (p.Ile3060Thr)

Gene: UNC80 (unc-80 subunit of NALCN channel complex; plus strand). Cytogenetic location: 2q34.
Variant type: single nucleotide variant.
Coding change: c.9179T>C on transcript NM_001371986.1 (MANE Select); coding-DNA position 9179, T replaced by C.
Protein change: p.Ile3060Thr; replaces isoleucine 3060 with threonine.
Molecular consequence: missense variant.
Genome position (GRCh38, 1-based): chr2:209,982,239, T>C. VCF-style: chr2-209982239-T-C. GRCh37 (hg19) VCF-style: chr2-210846963-T-C.
Other names: c.8981T>C, p.Ile2994Thr (NM_032504.2); c.8966T>C, p.Ile2989Thr (NM_182587.4); short protein forms I2989T, I2994T, I3060T.
Identifiers: ClinVar variation 973306 (VCV000973306.17), dbSNP rs1001497433, ClinGen allele CA64660462.